The following is an entry in ClinVar:

ClinVar aggregate classification (germline): Likely benign. Review status: criteria provided, multiple submitters, no conflicts (2 of 4 stars). 4 submissions from 4 submitters: Likely benign (3). 1 of the submissions does not count toward it. Last evaluated 2025-12-21.

Conditions:
CLN8-related disorder. Also called: CLN8-related condition.
Neuronal ceroid lipofuscinosis 8 (CLN8). Also called: CLN8-Related Neuronal Ceroid-Lipofuscinosis. Identifiers: Orphanet 168491, Orphanet 228354, Orphanet 79264, MedGen C1838570, MONDO:0010830, OMIM 600143.
Neuronal ceroid lipofuscinosis 8 northern epilepsy variant. Also called: EPILEPSY, PROGRESSIVE, WITH MENTAL RETARDATION; NORTHERN EPILEPSY. Identifiers: Orphanet 1947, MedGen C1864923, MONDO:0012391, OMIM 610003.
Neuronal ceroid lipofuscinosis. Also called: Neuronal Ceroid Lipofuscinoses. Identifiers: Orphanet 216, Orphanet 79263, MedGen C0027877, MONDO:0016295. Disease mechanism: loss of function.

Allele frequency attached by ClinVar (database versions not stated): gnomAD exomes 0.00001 and 0.00002; ExAC 0.00002; gnomAD 0.00003; TOPMed 0.00004; 1000 Genomes Project 30x 0.00016; 1000 Genomes Project 0.00020.
gnomAD v4.1: 23 of 1,614,200 alleles (0.0014%); highest among the groups gnomAD compares: Middle Eastern, 0.016%; no homozygotes.

Submissions (4):

Labcorp Genetics (formerly Invitae), Labcorp
Classification: Likely benign for Neuronal ceroid lipofuscinosis. Last evaluated: 2025-12-21. Review status: criteria provided, single submitter. Criteria: Invitae Variant Classification Sherloc (09022015). Collection method: clinical testing. Allele origin: germline.

PreventionGenetics, part of Exact Sciences
Classification: Likely benign for CLN8-related condition. Last evaluated: 2025-06-23. Review status: criteria provided, single submitter. Criteria: ACMG Guidelines, 2015. Collection method: clinical testing. Allele origin: germline.
Comment: This variant is classified as likely benign based on ACMG/AMP sequence variant interpretation guidelines (Richards et al. 2015 PMID: 25741868, with internal and published modifications).

Fulgent Genetics
Classification: Likely benign for Neuronal ceroid lipofuscinosis 8; Neuronal ceroid lipofuscinosis 8 northern epilepsy variant. Last evaluated: 2021-07-29. Review status: criteria provided, single submitter. Criteria: ACMG Guidelines, 2015. Collection method: clinical testing. Allele origin: unknown.

Natera, Inc.
Classification: Uncertain significance for Neuronal ceroid lipofuscinosis 8. Last evaluated: 2020-10-27. Review status: no assertion criteria provided. Collection method: clinical testing. Allele origin: germline. Not counted in ClinVar's aggregate classification.

NM_018941.4(CLN8):c.288G>A (p.Ala96=)

Gene: CLN8 (CLN8 transmembrane ER and ERGIC protein; plus strand). Cytogenetic location: 8p23.3.
Variant type: single nucleotide variant.
Coding change: c.288G>A on transcript NM_018941.4 (MANE Select); coding-DNA position 288, G replaced by A.
Protein change: p.Ala96=; no amino-acid change (alanine 96 retained).
Molecular consequence: synonymous variant.
Genome position (GRCh38, 1-based): chr8:1,771,342, G>A. VCF-style: chr8-1771342-G-A. GRCh37 (hg19) VCF-style: chr8-1719508-G-A.
Identifiers: ClinVar variation 698746 (VCV000698746.13), dbSNP rs533351136, ClinGen allele CA4599242.